The following is an entry in ClinVar:

NM_005378.6(MYCN):c.1132del (p.Glu378fs)

Gene: MYCN (MYCN proto-oncogene, bHLH transcription factor; plus strand). Cytogenetic location: 2p24.3.
Variant type: Deletion.
Coding change: c.1132del on transcript NM_005378.6 (MANE Select); coding-DNA position 1132, one base deleted (G; older notation c.1132delG).
Protein change: p.Glu378fs; shifts the reading frame from glutamic acid 378.
Molecular consequence: frameshift variant. On other transcripts: 3 prime UTR variant (1).
Genome position (GRCh38, 1-based): chr2:15,945,834, G deleted; the last of 2 consecutive G bases (chr2:15,945,833-15,945,834); deleting either gives the same sequence. VCF-style (leftmost placement, unchanged base first): chr2-15945832-CG-C. GRCh37 (hg19) VCF-style: chr2-16085954-CG-C.
Other names: c.1132del, p.Glu378fs (NM_001293228.2); c.499del, p.Glu167fs (NM_001293231.2); c.*1067del (NM_001293233.2); short protein forms E167fs, E378fs.
Identifiers: ClinVar variation 817427 (VCV000817427.1), dbSNP rs1572221449, ClinGen allele CA531315909.

ClinVar aggregate classification (germline): Pathogenic (1 of 4 stars; one submission).

Submission:

GeneDx
Classification: Pathogenic. Last evaluated: 2019-02-21. Review status: criteria provided, single submitter. Criteria: GeneDx Variant Classification (06012015). Collection method: clinical testing. Allele origin: germline. Affected: yes.
Comment: The c.1132delG variant in the MYCN gene has not been reported previously as a pathogenic variant nor as a benign variant, to our knowledge. The c.1132delG variant causes a frameshift starting with codon Glutamic Acid 378, changes this amino acid to an Arginine residue, and creates a premature Stop codon at position 35 of the new reading frame, denoted p.Glu378ArgfsX35. This variant is predicted to cause loss of normal protein function through protein truncation. The c.1132delG variant is not observed in large population cohorts (Lek et al., 2016). We interpret c.1132delG as a pathogenic variant.